The following is an entry in ClinVar:

NM_001008537.3(NEXMIF):c.3364C>A (p.Gln1122Lys)

Gene: NEXMIF (neurite extension and migration factor; minus strand). Cytogenetic location: Xq13.3.
Variant type: single nucleotide variant.
Coding change: c.3364C>A on transcript NM_001008537.3 (MANE Select); coding-DNA position 3364, C replaced by A.
Protein change: p.Gln1122Lys; replaces glutamine 1122 with lysine.
Molecular consequence: missense variant.
Genome position (GRCh38, 1-based): chrX:74,741,193, G>T on the plus strand (C>A on the coding strand, the complement: NEXMIF is on the minus strand). VCF-style: chrX-74741193-G-T. GRCh37 (hg19) VCF-style: chrX-73961028-G-T.
Other names: short protein forms Q1122K.
Identifiers: ClinVar variation 2858606 (VCV002858606.3), dbSNP rs2519912370, ClinGen allele CA413666125.
Genomic context (GRCh38, chrX:74,741,193, plus strand): 5'-TGAACATATGGAACTGAAACTGGTGATTATTTAAAGTAAATCCATCCTCCATTTGGACCT[G>T]CCGTGAAAGGGTACTGCAGTCCCACTTGATTTTTTCCACACTGTCCAATGGTCCTGGGAC-3'
Protein context (NP_001008537.1, residues 1112-1132): IKWDCSTLSR[Gln1122Lys]VQMEDGFTLN

ClinVar aggregate classification (germline): Uncertain significance (1 of 4 stars; one submission).

Allele frequency attached by ClinVar (database versions not stated): gnomAD exomes below 0.00001.
gnomAD v4.1: 1 of 1,211,270 alleles (0.000083%); highest among the groups gnomAD compares: Non-Finnish European, 0.00011%; no homozygotes.

Submission:

Labcorp Genetics (formerly Invitae), Labcorp
Classification: Uncertain significance. Last evaluated: 2023-04-23. Review status: criteria provided, single submitter. Criteria: Invitae Variant Classification Sherloc (09022015). Collection method: clinical testing. Allele origin: germline.
Comment: In summary, the available evidence is currently insufficient to determine the role of this variant in disease. Therefore, it has been classified as a Variant of Uncertain Significance. An algorithm developed to predict the effect of missense changes on protein structure and function (PolyPhen-2) suggests that this variant is likely to be disruptive. This variant has not been reported in the literature in individuals affected with NEXMIF-related conditions. This variant is not present in population databases (gnomAD no frequency). This sequence change replaces glutamine, which is neutral and polar, with lysine, which is basic and polar, at codon 1122 of the NEXMIF protein (p.Gln1122Lys).